The following is an entry in ClinVar:

ClinVar aggregate classification (germline): Uncertain significance (1 of 4 stars; one submission).

gnomAD v4.1: 10 of 1,614,082 alleles (0.00062%); highest among the groups gnomAD compares: Middle Eastern, 0.016%; no homozygotes.

Submission:

Labcorp Genetics (formerly Invitae), Labcorp
Classification: Uncertain significance. Last evaluated: 2024-02-22. Review status: criteria provided, single submitter. Criteria: Invitae Variant Classification Sherloc (09022015). Collection method: clinical testing. Allele origin: germline.
Comment: This sequence change replaces arginine, which is basic and polar, with glutamine, which is neutral and polar, at codon 437 of the NFE2L2 protein (p.Arg437Gln). This variant is present in population databases (rs764057713, gnomAD 0.02%). This variant has not been reported in the literature in individuals affected with NFE2L2-related conditions. Advanced modeling of protein sequence and biophysical properties (such as structural, functional, and spatial information, amino acid conservation, physicochemical variation, residue mobility, and thermodynamic stability) performed at Invitae indicates that this missense variant is not expected to disrupt NFE2L2 protein function with a negative predictive value of 80%. In summary, the available evidence is currently insufficient to determine the role of this variant in disease. Therefore, it has been classified as a Variant of Uncertain Significance.

NM_006164.5(NFE2L2):c.1310G>A (p.Arg437Gln)

Gene: NFE2L2 (NFE2 like bZIP transcription factor 2; minus strand). Cytogenetic location: 2q31.2.
Variant type: single nucleotide variant.
Coding change: c.1310G>A on transcript NM_006164.5 (MANE Select); coding-DNA position 1310, G replaced by A.
Protein change: p.Arg437Gln; replaces arginine 437 with glutamine.
Molecular consequence: missense variant.
Genome position (GRCh38, 1-based): chr2:177,231,293, C>T on the plus strand (G>A on the coding strand, the complement: NFE2L2 is on the minus strand). VCF-style: chr2-177231293-C-T. GRCh37 (hg19) VCF-style: chr2-178096021-C-T.
Other names: c.1262G>A, p.Arg421Gln (NM_001145412.3, NM_001313900.1, NM_001313901.1); c.1241G>A, p.Arg414Gln (NM_001145413.3); c.1220G>A, p.Arg407Gln (NM_001313902.2); c.1091G>A, p.Arg364Gln (NM_001313903.2); c.1010G>A, p.Arg337Gln (NM_001313904.1); short protein forms R437Q, R414Q, R421Q, R337Q, R364Q, R407Q.
Identifiers: ClinVar variation 3717865 (VCV003717865.2).